The following is an entry in ClinVar:

ClinVar aggregate classification (germline): Likely pathogenic (1 of 4 stars; one submission).

Conditions:
Hereditary cancer-predisposing syndrome. Also called: Tumor predisposition; Hereditary neoplastic syndrome; Neoplastic Syndromes, Hereditary; Hereditary Cancer Syndrome. Identifiers: Orphanet 140162, MedGen C0027672, MeSH D009386, MONDO:0015356.

Submission:

Department of Clinical Genetics, Copenhagen University Hospital, Rigshospitalet
Classification: Likely pathogenic for Hereditary cancer-predisposing syndrome. Last evaluated: 2025-02-04. Review status: criteria provided, single submitter. Criteria: ACMG Guidelines, 2015. Collection method: clinical testing. Allele origin: germline.
Comment: PVS1; PM2_SUP

NM_002878.4(RAD51D):c.565_576+25del

Genes: RAD51L3-RFFL (RAD51L3-RFFL readthrough; minus strand), RAD51D (RAD51 paralog D; minus strand). Cytogenetic location: 17q12.
Variant type: Deletion.
Coding change: c.565_576+25del on transcript NM_002878.4 (MANE Select); coding-DNA position 565 through 25 bases into the intron after coding-DNA position 576, 37 bases deleted.
Molecular consequence: splice donor variant.
Genome position (GRCh38, 1-based): chr17:35,106,361-35,106,397, 37 bases deleted; deleting any 37 consecutive bases within chr17:35,106,361-35,106,399 gives the same sequence; the c. name uses the placement nearest the transcript's 3' end. GRCh37 (hg19): chr17:33,433,382-33,433,418.
Other names: c.229_240+25del (NM_133629.3); c.625_636+25del (NM_001142571.2).
Identifiers: ClinVar variation 3602767 (VCV003602767.2).